The following is an entry in ClinVar:

NM_001082538.3(TCTN1):c.473-10del

Gene: TCTN1 (tectonic family member 1; plus strand). Cytogenetic location: 12q24.11.
Variant type: Deletion.
Coding change: c.473-10del on transcript NM_001082538.3 (MANE Select); 10 bases into the intron before coding-DNA position 473, one base deleted (T; older notation c.473-10delT).
Molecular consequence: intron variant.
Genome position (GRCh38, 1-based): chr12:110,628,757, T deleted; the last of 8 consecutive T bases (chr12:110,628,750-110,628,757); deleting any one gives the same sequence. VCF-style (leftmost placement, unchanged base first): chr12-110628749-GT-G. GRCh37 (hg19) VCF-style: chr12-111066554-GT-G.
Other names: c.305-10del (NM_001173975.3, NM_001319682.3); c.293-10del (NM_001173976.2); c.-62-10del (NM_001319681.2); c.473-10del (NM_024549.6, NM_001082537.3, NM_001319680.2); c.473-10delT (NM_001082538.2).
Identifiers: ClinVar variation 1608758 (VCV001608758.10), dbSNP rs771463400, ClinGen allele CA6786594.

ClinVar aggregate classification (germline): Benign. Review status: criteria provided, single submitter (1 of 4 stars). 2 submissions from 2 submitters: Benign (1). 1 of the submissions does not count toward it. Last evaluated 2025-08-11.

Conditions:
Joubert syndrome. Also called: CEREBELLOPARENCHYMAL DISORDER IV; JOUBERT-BOLTSHAUSER SYNDROME; Familial aplasia of the vermis. Identifiers: Orphanet 475, MedGen C5979921, MONDO:0018772.
Meckel-Gruber syndrome. Also called: DYSENCEPHALIA SPLANCHNOCYSTICA; GRUBER SYNDROME; Dysencephalia splachnocystica. Identifiers: Orphanet 564, MedGen C0265215, MONDO:0018921.
TCTN1-related disorder. Also called: TCTN1-related condition.

Submissions (2):

Labcorp Genetics (formerly Invitae), Labcorp
Classification: Benign for Joubert syndrome; Meckel-Gruber syndrome. Last evaluated: 2025-08-11. Review status: criteria provided, single submitter. Criteria: Invitae Variant Classification Sherloc (09022015). Collection method: clinical testing. Allele origin: germline.

PreventionGenetics, part of Exact Sciences
Classification: Likely benign for TCTN1-related condition. Last evaluated: 2021-08-31. Review status: no assertion criteria provided. Collection method: clinical testing. Allele origin: germline. Not counted in ClinVar's aggregate classification.
Comment: This variant is classified as likely benign based on ACMG/AMP sequence variant interpretation guidelines (Richards et al. 2015 PMID: 25741868, with internal and published modifications).